The following is an entry in ClinVar:

ClinVar aggregate classification (germline): Uncertain significance (1 of 4 stars; one submission).

Submission:

Labcorp Genetics (formerly Invitae), Labcorp
Classification: Uncertain significance. Last evaluated: 2025-10-14. Review status: criteria provided, single submitter. Criteria: Invitae Variant Classification Sherloc (09022015). Collection method: clinical testing. Allele origin: germline.
Comment: This sequence change replaces methionine, which is neutral and non-polar, with threonine, which is neutral and polar, at codon 1407 of the OBSL1 protein (p.Met1407Thr). This variant is present in population databases (rs750454533, gnomAD 0.007%). This variant has not been reported in the literature in individuals affected with OBSL1-related conditions. An algorithm developed to predict the effect of missense changes on protein structure and function outputs the following: PolyPhen-2: "Benign". The threonine amino acid residue is found in multiple mammalian species, which suggests that this missense change does not adversely affect protein function. In summary, the available evidence is currently insufficient to determine the role of this variant in disease. Therefore, it has been classified as a Variant of Uncertain Significance.

NM_015311.3(OBSL1):c.4220T>C (p.Met1407Thr)

Gene: OBSL1 (obscurin like cytoskeletal adaptor 1; minus strand). Cytogenetic location: 2q35.
Variant type: single nucleotide variant.
Coding change: c.4220T>C on transcript NM_015311.3 (MANE Select); coding-DNA position 4220, T replaced by C.
Protein change: p.Met1407Thr; replaces methionine 1407 with threonine.
Molecular consequence: missense variant.
Genome position (GRCh38, 1-based): chr2:219,556,570, A>G on the plus strand (T>C on the coding strand, the complement: OBSL1 is on the minus strand). VCF-style: chr2-219556570-A-G. GRCh37 (hg19) VCF-style: chr2-220421292-A-G.
Other names: c.4220T>C, p.Met1407Thr (NM_001173431.2); short protein forms M1407T.
Identifiers: ClinVar variation 4776972 (VCV004776972.1).
Genomic context (GRCh38, chr2:219,556,570, plus strand): 5'-CCTGCATCCCCCAGTTGGCAGCCTCGCAAGGTTAAGATGCGGCTTGAACCATTCTGGGCC[A>G]TCTCCACCTGGGGCCCTGGAGTGACGACGGCCCCATTGCGCAGCCAGGTGACATCGGCAT-3'
Protein context (NP_056126.1, residues 1397-1417): AVVTPGPQVE[Met1407Thr]AQNGSSRILT